The following is an entry in ClinVar:

NM_000454.5(SOD1):c.55A>T (p.Ile19Phe)

Genes: SOD1 (superoxide dismutase 1; plus strand), SOD1-DT (SOD1 divergent transcript; minus strand). Cytogenetic location: 21q22.11.
Variant type: single nucleotide variant.
Coding change: c.55A>T on transcript NM_000454.5 (MANE Select); coding-DNA position 55, A replaced by T.
Protein change: p.Ile19Phe; replaces isoleucine 19 with phenylalanine.
Molecular consequence: missense variant.
Genome position (GRCh38, 1-based): chr21:31,659,824, A>T. VCF-style: chr21-31659824-A-T. GRCh37 (hg19) VCF-style: chr21-33032137-A-T.
Other names: short protein forms I19F.
Identifiers: ClinVar variation 2004638 (VCV002004638.4), dbSNP rs2516654131, ClinGen allele CA410036042.

ClinVar aggregate classification (germline): Uncertain significance (1 of 4 stars; one submission).

Conditions:
Amyotrophic lateral sclerosis type 1 (ALS1). Also called: AMYOTROPHIC LATERAL SCLEROSIS 1, FAMILIAL. Identifiers: Orphanet 803, MedGen C1862939, MONDO:0007103, OMIM 105400.

Submission:

Labcorp Genetics (formerly Invitae), Labcorp
Classification: Uncertain significance for Amyotrophic lateral sclerosis type 1. Last evaluated: 2022-06-10. Review status: criteria provided, single submitter. Criteria: Invitae Variant Classification Sherloc (09022015). Collection method: clinical testing. Allele origin: germline.
Comment: This variant is not present in population databases (gnomAD no frequency). This sequence change replaces isoleucine, which is neutral and non-polar, with phenylalanine, which is neutral and non-polar, at codon 19 of the SOD1 protein (p.Ile19Phe). This variant has not been reported in the literature in individuals affected with SOD1-related conditions. In summary, the available evidence is currently insufficient to determine the role of this variant in disease. Therefore, it has been classified as a Variant of Uncertain Significance. Advanced modeling of protein sequence and biophysical properties (such as structural, functional, and spatial information, amino acid conservation, physicochemical variation, residue mobility, and thermodynamic stability) performed at Invitae indicates that this missense variant is expected to disrupt SOD1 protein function.